The following is an entry in ClinVar:

ClinVar aggregate classification (germline): Uncertain significance (1 of 4 stars; one submission).

Allele frequency attached by ClinVar (database versions not stated): ExAC 0.00001; gnomAD 0.00001; gnomAD exomes 0.00001; TOPMed 0.00001.
gnomAD v4.1: 12 of 1,614,112 alleles (0.00074%); highest among the groups gnomAD compares: South Asian, 0.0099%; no homozygotes.

Submission:

Labcorp Genetics (formerly Invitae), Labcorp
Classification: Uncertain significance. Last evaluated: 2023-11-24. Review status: criteria provided, single submitter. Criteria: Invitae Variant Classification Sherloc (09022015). Collection method: clinical testing. Allele origin: germline.
Comment: This sequence change replaces arginine, which is basic and polar, with histidine, which is basic and polar, at codon 816 of the ERBB2 protein (p.Arg816His). This variant is present in population databases (rs775394020, gnomAD 0.006%). This variant has not been reported in the literature in individuals affected with ERBB2-related conditions. ClinVar contains an entry for this variant (Variation ID: 2170265). Advanced modeling of protein sequence and biophysical properties (such as structural, functional, and spatial information, amino acid conservation, physicochemical variation, residue mobility, and thermodynamic stability) performed at Invitae indicates that this missense variant is not expected to disrupt ERBB2 protein function with a negative predictive value of 80%. In summary, the available evidence is currently insufficient to determine the role of this variant in disease. Therefore, it has been classified as a Variant of Uncertain Significance.

NM_004448.4(ERBB2):c.2447G>A (p.Arg816His)

Gene: ERBB2 (erb-b2 receptor tyrosine kinase 2; plus strand). Cytogenetic location: 17q12.
Variant type: single nucleotide variant.
Coding change: c.2447G>A on transcript NM_004448.4 (MANE Select); coding-DNA position 2447, G replaced by A.
Protein change: p.Arg816His; replaces arginine 816 with histidine.
Molecular consequence: missense variant. On other transcripts: non-coding transcript variant (1), intron variant (2).
Genome position (GRCh38, 1-based): chr17:39,724,865, G>A. VCF-style: chr17-39724865-G-A. GRCh37 (hg19) VCF-style: chr17-37881118-G-A.
Other names: c.2549G>A, p.Arg850His (NM_001382785.1); c.2528G>A, p.Arg843His (NM_001382786.1); c.2522G>A, p.Arg841His (NM_001382787.1); c.2477G>A, p.Arg826His (NM_001382788.1); c.2468G>A, p.Arg823His (NM_001382789.1); c.2444G>A, p.Arg815His (NM_001382790.1); c.2438G>A, p.Arg813His (NM_001382791.1); c.2411G>A, p.Arg804His (NM_001382792.1); and 13 more; short protein forms R540H, R756H, R801H, R815H, R783H, R802H, R816H, R823H.
Identifiers: ClinVar variation 2170265 (VCV002170265.4), dbSNP rs775394020, ClinGen allele CA8534300.